The following is an entry in ClinVar:

NM_213655.5(WNK1):c.3451T>C (p.Ser1151Pro)

Gene: WNK1 (WNK lysine deficient protein kinase 1; plus strand). Cytogenetic location: 12p13.33.
Variant type: single nucleotide variant.
Coding change: c.3451T>C on transcript NM_213655.5 (MANE Plus Clinical); coding-DNA position 3451, T replaced by C.
Protein change: p.Ser1151Pro; replaces serine 1151 with proline.
Molecular consequence: missense variant. On other transcripts: intron variant (2).
Genome position (GRCh38, 1-based): chr12:868,922, T>C. VCF-style: chr12-868922-T-C. GRCh37 (hg19) VCF-style: chr12-978088-T-C.
Other names: c.3196T>C, p.Ser1066Pro (NM_001184985.2); c.2140-2343T>C (NM_018979.4, NM_014823.3); short protein forms S1151P, S1066P.
Identifiers: ClinVar variation 864536 (VCV000864536.12), dbSNP rs759112199, ClinGen allele CA6382361.

ClinVar aggregate classification (germline): Uncertain significance. Review status: criteria provided, multiple submitters, no conflicts (2 of 4 stars). 4 submissions from 4 submitters: Uncertain significance (4). Last evaluated 2023-06-09.

Conditions:
Neuropathy, hereditary sensory and autonomic, type 2A (HSAN2A). Also called: HSAN IIA; MORVAN DISEASE; NEUROPATHY, CONGENITAL SENSORY; NEUROPATHY, HEREDITARY SENSORY RADICULAR, AUTOSOMAL RECESSIVE; NEUROPATHY, HEREDITARY SENSORY, TYPE IIA; NEUROPATHY, PROGRESSIVE SENSORY, OF CHILDREN. Identifiers: Orphanet 970, MedGen C2752089, MONDO:0024309, OMIM 201300.
Pseudohypoaldosteronism type 2C (PHA2C). Also called: Pseudohypoaldosteronism Type IIC. Identifiers: Orphanet 757, Orphanet 88940, MedGen C1840391, MONDO:0013778, OMIM 614492.

Allele frequency attached by ClinVar (database versions not stated): gnomAD exomes below 0.00001 and 0.00002; ExAC 0.00001; TOPMed 0.00001.
gnomAD v4.1: 24 of 1,594,720 alleles (0.0015%); highest among the groups gnomAD compares: Non-Finnish European, 0.0018%; no homozygotes.

Submissions (4):

GeneDx
Classification: Uncertain significance. Last evaluated: 2023-06-09. Review status: criteria provided, single submitter. Criteria: GeneDx Variant Classification Process June 2021. Collection method: clinical testing. Allele origin: germline. Affected: yes.
Comment: Not observed at significant frequency in large population cohorts (gnomAD); In silico analysis supports that this missense variant has a deleterious effect on protein structure/function; Has not been previously published as pathogenic or benign to our knowledge

Labcorp Genetics (formerly Invitae), Labcorp
Classification: Uncertain significance for Neuropathy, hereditary sensory and autonomic, type 2A; Pseudohypoaldosteronism type 2C. Last evaluated: 2023-01-15. Review status: criteria provided, single submitter. Criteria: Invitae Variant Classification Sherloc (09022015). Collection method: clinical testing. Allele origin: germline.
Comment: This variant has not been reported in the literature in individuals affected with WNK1-related conditions. ClinVar contains an entry for this variant (Variation ID: 864536). This variant is present in population databases (rs759112199, gnomAD 0.002%). Advanced modeling of protein sequence and biophysical properties (such as structural, functional, and spatial information, amino acid conservation, physicochemical variation, residue mobility, and thermodynamic stability) performed at Invitae indicates that this missense variant is not expected to disrupt WNK1 protein function. In summary, the available evidence is currently insufficient to determine the role of this variant in disease. Therefore, it has been classified as a Variant of Uncertain Significance. This sequence change replaces serine, which is neutral and polar, with proline, which is neutral and non-polar, at codon 1151 of the WNK1 protein (p.Ser1151Pro).

Department of Pathology and Laboratory Medicine, Sinai Health System
Classification: Uncertain significance for neuropathy, hereditary sensory and autonomic, type 2A. Last evaluated: 2021-07-30. Review status: criteria provided, single submitter. Criteria: ACMG Guidelines, 2015. Collection method: research. Allele origin: germline.

Blueprint Genetics
Classification: Uncertain significance. Last evaluated: 2021-05-07. Review status: criteria provided, single submitter. Criteria: ACMG Guidelines, 2015. Collection method: clinical testing. Allele origin: germline.